The following is an entry in ClinVar:

ClinVar aggregate classification (germline): Likely benign. Review status: criteria provided, multiple submitters, no conflicts (2 of 4 stars). 3 submissions from 3 submitters: Likely benign (3). Last evaluated 2026-04-01.

Conditions:
DOCK8-related disorder. Also called: DOCK8-related condition.
Combined immunodeficiency due to DOCK8 deficiency (HIES2). Also called: Hyper-IgE recurrent infection syndrome, autosomal recessive; HIES autosomal recessive; HYPER-IgE SYNDROME 2, AUTOSOMAL RECESSIVE, WITH RECURRENT INFECTIONS; HYPER-IgE RECURRENT INFECTION SYNDROME 2, AUTOSOMAL RECESSIVE; DOCK8 Deficiency. Identifiers: Orphanet 217390, MedGen C4722305, MONDO:0009478, OMIM 243700.

Allele frequency attached by ClinVar (database versions not stated): ExAC 0.00001; gnomAD exomes 0.00002 and 0.00003; gnomAD 0.00003; TOPMed 0.00003.
gnomAD v4.1: 45 of 1,613,452 alleles (0.0028%); highest among the groups gnomAD compares: Middle Eastern, 0.017%; no homozygotes.

Submissions (3):

CeGaT Center for Human Genetics Tuebingen
Classification: Likely benign. Last evaluated: 2026-04-01. Review status: criteria provided, single submitter. Criteria: CeGaT Center For Human Genetics Tuebingen Variant Classification Criteria Version 2. Collection method: clinical testing. Allele origin: germline. Affected: yes. Observed: 1 variant allele.
Comment: DOCK8: BP4, BP7

Labcorp Genetics (formerly Invitae), Labcorp
Classification: Likely benign for Combined immunodeficiency due to DOCK8 deficiency. Last evaluated: 2025-08-11. Review status: criteria provided, single submitter. Criteria: Invitae Variant Classification Sherloc (09022015). Collection method: clinical testing. Allele origin: germline.

PreventionGenetics, part of Exact Sciences
Classification: Likely benign for DOCK8-related condition. Last evaluated: 2025-01-07. Review status: criteria provided, single submitter. Criteria: ACMG Guidelines, 2015. Collection method: clinical testing. Allele origin: germline.
Comment: This variant is classified as likely benign based on ACMG/AMP sequence variant interpretation guidelines (Richards et al. 2015 PMID: 25741868, with internal and published modifications).

NM_203447.4(DOCK8):c.2607C>T (p.Gly869=)

Gene: DOCK8 (dedicator of cytokinesis 8; plus strand). Cytogenetic location: 9p24.3.
Variant type: single nucleotide variant.
Coding change: c.2607C>T on transcript NM_203447.4 (MANE Select); coding-DNA position 2607, C replaced by T.
Protein change: p.Gly869=; no amino-acid change (glycine 869 retained).
Molecular consequence: synonymous variant.
Genome position (GRCh38, 1-based): chr9:382,514, C>T. VCF-style: chr9-382514-C-T. GRCh37 (hg19) VCF-style: chr9-382514-C-T.
Other names: c.2403C>T, p.Gly801= (NM_001190458.2, NM_001193536.2).
Identifiers: ClinVar variation 943871 (VCV000943871.13), dbSNP rs760967651, ClinGen allele CA4958267.